The following is an entry in ClinVar:

ClinVar aggregate classification (germline): Uncertain significance (1 of 4 stars; one submission).

Submission:

Labcorp Genetics (formerly Invitae), Labcorp
Classification: Uncertain significance. Last evaluated: 2022-10-18. Review status: criteria provided, single submitter. Criteria: Invitae Variant Classification Sherloc (09022015). Collection method: clinical testing. Allele origin: germline.
Comment: A copy number gain of the genomic region encompassing the full coding sequence of the GATA5 gene has been identified. The boundaries of this event are unknown as they extend beyond the assayed region for this gene and therefore may encompass additional genes. As the precise location of this event is unknown, it may be in tandem or it may be located elsewhere in the genome. This variant has not been reported in the literature in individuals affected with GATA5-related conditions. In summary, the available evidence is currently insufficient to determine the role of this variant in disease. Therefore, it has been classified as a Variant of Uncertain Significance.

NC_000020.10:g.(?_61039892)_(61050577_?)dup

Gene: GATA5 (GATA binding protein 5; minus strand). Cytogenetic location: 20q13.33.
Variant type: Duplication.
Identifiers: ClinVar variation 1447674 (VCV001447674.4).